The following is an entry in ClinVar:

NM_000092.5(COL4A4):c.2252G>C (p.Gly751Ala)

Gene: COL4A4 (collagen type IV alpha 4 chain; minus strand). Cytogenetic location: 2q36.3.
Variant type: single nucleotide variant.
Coding change: c.2252G>C on transcript NM_000092.5 (MANE Select); coding-DNA position 2252, G replaced by C.
Protein change: p.Gly751Ala; replaces glycine 751 with alanine.
Molecular consequence: missense variant.
Genome position (GRCh38, 1-based): chr2:227,059,536, C>G on the plus strand (G>C on the coding strand, the complement: COL4A4 is on the minus strand). VCF-style: chr2-227059536-C-G. GRCh37 (hg19) VCF-style: chr2-227924252-C-G.
Other names: short protein forms G751A.
Identifiers: ClinVar variation 3336018 (VCV003336018.2).
Genomic context (GRCh38, chr2:227,059,536, plus strand): 5'-CCCGGGGGTCCCAGGTGACCAAATGCAGGGTCTCCCGGGATTCCTTTCTGACCATTCACT[C>G]CTGGTGAGCCGGGAGGGCCTGGGGGCCCAACAGGGGAGGACCCCTTTTCACCTCCAAAAC-3'
Protein context (NP_000083.3, residues 741-761): VGPPGPPGSP[Gly751Ala]VNGQKGIPGD

ClinVar aggregate classification (germline): Conflicting classifications of pathogenicity. Review status: criteria provided, conflicting classifications (1 of 4 stars). 2 submissions from 2 submitters: Likely pathogenic (1); Uncertain significance (1). Last evaluated 2024-05-13.

Conditions:
Autosomal recessive Alport syndrome (ATS2). Also called: COL4A3-Related Nephropathy; COL4A4 Alport Syndrome and Thin Basement Membrane Nephropathy; ALPORT SYNDROME 2, AUTOSOMAL RECESSIVE; Alport syndrome type 2. Identifiers: Orphanet 63, Orphanet 88919, MedGen C4746745, MONDO:0008762, OMIM 203780.
Hematuria, benign familial, 1 (BFH1). Also called: THIN MEMBRANE NEPHROPATHY. Identifiers: MedGen CN376803, MONDO:0007709, OMIM 141200.

Submissions (2):

Women's Health and Genetics/Laboratory Corporation of America, LabCorp
Classification: Uncertain significance. Last evaluated: 2024-05-13. Review status: criteria provided, single submitter. Criteria: LabCorp Variant Classification Summary - May 2015. Collection method: clinical testing. Allele origin: germline.
Comment: Variant summary: COL4A4 c.2252G>C (p.Gly751Ala) results in a non-conservative amino acid change in the encoded protein sequence. Five of five in-silico tools predict a damaging effect of the variant on protein function. The variant was absent in 249492 control chromosomes (gnomAD). The available data on variant occurrences in the general population are insufficient to allow any conclusion about variant significance. To our knowledge, no occurrence of c.2252G>C in individuals affected with Alport Syndrome, Autosomal Recessive and no experimental evidence demonstrating its impact on protein function have been reported. No submitters have cited clinical-significance assessments for this variant to ClinVar. Based on the evidence outlined above, the variant was classified as uncertain significance.

Fulgent Genetics
Classification: Likely pathogenic for Hematuria, benign familial, 1; Autosomal recessive Alport syndrome. Last evaluated: 2024-05-11. Review status: criteria provided, single submitter. Criteria: ACMG Guidelines, 2015. Collection method: clinical testing. Allele origin: germline.